The following is an entry in ClinVar:

ClinVar aggregate classification (germline): Uncertain significance (1 of 4 stars; one submission).

Conditions:
Neurofibromatosis, type 1 (NF1). Also called: VON RECKLINGHAUSEN DISEASE; NEUROFIBROMATOSIS, TYPE I, SOMATIC; Neurofibromatosis, type I; Peripheral type neurofibromatosis. Identifiers: Orphanet 636, MedGen C0027831, MONDO:0018975, OMIM 162200. Disease mechanism: loss of function.

Submission:

Labcorp Genetics (formerly Invitae), Labcorp
Classification: Uncertain significance for Neurofibromatosis, type 1. Last evaluated: 2023-01-17. Review status: criteria provided, single submitter. Criteria: Invitae Variant Classification Sherloc (09022015). Collection method: clinical testing. Allele origin: germline.
Comment: This variant is not present in population databases (gnomAD no frequency). This sequence change replaces arginine, which is basic and polar, with serine, which is neutral and polar, at codon 385 of the NF1 protein (p.Arg385Ser). This variant has not been reported in the literature in individuals affected with NF1-related conditions. Advanced modeling of protein sequence and biophysical properties (such as structural, functional, and spatial information, amino acid conservation, physicochemical variation, residue mobility, and thermodynamic stability) performed at Invitae indicates that this missense variant is expected to disrupt NF1 protein function. In summary, the available evidence is currently insufficient to determine the role of this variant in disease. Therefore, it has been classified as a Variant of Uncertain Significance.

NM_001042492.3(NF1):c.1153C>A (p.Arg385Ser)

Gene: NF1 (neurofibromin 1; plus strand). Cytogenetic location: 17q11.2.
Variant type: single nucleotide variant.
Coding change: c.1153C>A on transcript NM_001042492.3 (MANE Select); coding-DNA position 1153, C replaced by A.
Protein change: p.Arg385Ser; replaces arginine 385 with serine.
Molecular consequence: missense variant.
Genome position (GRCh38, 1-based): chr17:31,201,127, C>A. VCF-style: chr17-31201127-C-A. GRCh37 (hg19) VCF-style: chr17-29528145-C-A.
Other names: c.1153C>A, p.Arg385Ser (NM_000267.4, NM_001128147.3); short protein forms R385S.
Identifiers: ClinVar variation 2829674 (VCV002829674.3), dbSNP rs1322986962, ClinGen allele CA398997145.